The following is an entry in ClinVar:

ClinVar aggregate classification (germline): Uncertain significance (1 of 4 stars; one submission).

Conditions:
Hereditary cancer-predisposing syndrome. Also called: Neoplastic Syndromes, Hereditary; Tumor predisposition; Hereditary Cancer Syndrome; Hereditary neoplastic syndrome. Identifiers: Orphanet 140162, MedGen C0027672, MeSH D009386, MONDO:0015356.

Submission:

Ambry Genetics
Classification: Uncertain significance for Hereditary cancer-predisposing syndrome. Last evaluated: 2015-10-04. Review status: criteria provided, single submitter. Criteria: Ambry Variant Classification Scheme 2023. Collection method: clinical testing. Allele origin: germline.
Comment: The p.I621L variant (also known as c.1861A>T), located in coding exon 15 of the MRE11A gene, results from an A to T substitution at nucleotide position 1861. The isoleucine at codon 621 is replaced by leucine, an amino acid with highly similar properties. This variant was not reported in population based cohorts in the following databases: Database of Single Nucleotide Polymorphisms (dbSNP), NHLBI Exome Sequencing Project (ESP), and 1000 Genomes Project. In the ESP, this variant was not observed in 6499 samples (12998 alleles) with coverage at this position. To date, this alteration has been detected with an allele frequency of approximately 0.002% (greater than 65000 alleles tested) in our clinical cohort. This amino acid position is poorly conserved in available vertebrate species. In addition, this alteration is predicted to be tolerated by in silico analysis. Since supporting evidence is limited at this time, the clinical significance of p.I621L remains unclear.

NM_005591.4(MRE11):c.1861A>T (p.Ile621Leu)

Gene: MRE11 (MRE11 double strand break repair nuclease; minus strand). Cytogenetic location: 11q21.
Variant type: single nucleotide variant.
Coding change: c.1861A>T on transcript NM_005591.4 (MANE Select); coding-DNA position 1861, A replaced by T.
Protein change: p.Ile621Leu; replaces isoleucine 621 with leucine.
Molecular consequence: missense variant. On other transcripts: intron variant (1).
Genome position (GRCh38, 1-based): chr11:94,445,816, T>A on the plus strand (A>T on the coding strand, the complement: MRE11 is on the minus strand). VCF-style: chr11-94445816-T-A. GRCh37 (hg19) VCF-style: chr11-94178982-T-A.
Other names: c.1858A>T, p.Ile620Leu (NM_001330347.2); c.1783+1403A>T (NM_005590.4); short protein forms I620L, I621L.
Identifiers: ClinVar variation 1799694 (VCV001799694.2), dbSNP rs373444411, ClinGen allele CA382366229.